The following is an entry in ClinVar:

NM_001367561.1(DOCK7):c.6412A>G (p.Met2138Val)

Gene: DOCK7 (dedicator of cytokinesis 7; minus strand). Cytogenetic location: 1p31.3.
Variant type: single nucleotide variant.
Coding change: c.6412A>G on transcript NM_001367561.1 (MANE Select); coding-DNA position 6412, A replaced by G.
Protein change: p.Met2138Val; replaces methionine 2138 with valine.
Molecular consequence: missense variant.
Genome position (GRCh38, 1-based): chr1:62,455,425, T>C on the plus strand (A>G on the coding strand, the complement: DOCK7 is on the minus strand). VCF-style: chr1-62455425-T-C. GRCh37 (hg19) VCF-style: chr1-62921096-T-C.
Other names: c.6379A>G, p.Met2127Val (NM_001271999.2); c.6292A>G, p.Met2098Val (NM_001272000.2); c.6286A>G, p.Met2096Val (NM_001272001.2); c.6385A>G, p.Met2129Val (NM_001330614.2); c.6319A>G, p.Met2107Val (NM_033407.4); short protein forms M2096V, M2098V, M2127V, M2138V, M2107V, M2129V.
Identifiers: ClinVar variation 857386 (VCV000857386.8), dbSNP rs145548218, ClinGen allele CA885201.

ClinVar aggregate classification (germline): Uncertain significance. Review status: criteria provided, multiple submitters, no conflicts (2 of 4 stars). 2 submissions from 2 submitters: Uncertain significance (2). Last evaluated 2025-11-11.

Conditions:
Developmental and epileptic encephalopathy, 23 (DEE23). Also called: Epileptic encephalopathy, early infantile, 23. Identifiers: Orphanet 411986, MedGen C4014492, MONDO:0014371, OMIM 615859.

Allele frequency attached by ClinVar (database versions not stated): gnomAD 0.00006 and 0.00007; ExAC 0.00012; 1000 Genomes Project 30x 0.00062; TOPMed 0.00005; 1000 Genomes Project 0.00040; gnomAD exomes 0.00005 and 0.00007; ESP Exome Variant Server 0.00008.
gnomAD v4.1: 85 of 1,613,684 alleles (0.0053%); highest among the groups gnomAD compares: Non-Finnish European, 0.0064%; no homozygotes.

Submissions (2):

Labcorp Genetics (formerly Invitae), Labcorp
Classification: Uncertain significance for Developmental and epileptic encephalopathy, 23. Last evaluated: 2025-11-11. Review status: criteria provided, single submitter. Criteria: Invitae Variant Classification Sherloc (09022015). Collection method: clinical testing. Allele origin: germline.
Comment: This sequence change replaces methionine, which is neutral and non-polar, with valine, which is neutral and non-polar, at codon 2127 of the DOCK7 protein (p.Met2127Val). This variant is present in population databases (rs145548218, gnomAD 0.03%). This variant has not been reported in the literature in individuals affected with DOCK7-related conditions. ClinVar contains an entry for this variant (Variation ID: 857386). Invitae Evidence Modeling of protein sequence and biophysical properties (such as structural, functional, and spatial information, amino acid conservation, physicochemical variation, residue mobility, and thermodynamic stability) indicates that this missense variant is not expected to disrupt DOCK7 protein function with a negative predictive value of 80%. In summary, the available evidence is currently insufficient to determine the role of this variant in disease. Therefore, it has been classified as a Variant of Uncertain Significance.

GeneDx
Classification: Uncertain significance. Last evaluated: 2025-10-01. Review status: criteria provided, single submitter. Criteria: GeneDx Variant Classification Process June 2021. Collection method: clinical testing. Allele origin: germline.
Comment: In silico analysis suggests that this missense variant does not alter protein structure/function; Has not been previously published as pathogenic or benign to our knowledge